The following is an entry in ClinVar:

NM_032193.4(RNASEH2C):c.130G>C (p.Val44Leu)

Genes: RNASEH2C (ribonuclease H2 subunit C; minus strand), LOC130006061 (ATAC-STARR-seq lymphoblastoid silent region 3553; plus strand). Cytogenetic location: 11q13.1.
Variant type: single nucleotide variant.
Coding change: c.130G>C on transcript NM_032193.4 (MANE Select); coding-DNA position 130, G replaced by C.
Protein change: p.Val44Leu; replaces valine 44 with leucine.
Molecular consequence: missense variant.
Genome position (GRCh38, 1-based): chr11:65,720,629, C>G on the plus strand (G>C on the coding strand, the complement: RNASEH2C is on the minus strand). VCF-style: chr11-65720629-C-G. GRCh37 (hg19) VCF-style: chr11-65488100-C-G.
Other names: short protein forms V44L.
Identifiers: ClinVar variation 1971431 (VCV001971431.2), dbSNP rs1391908392, ClinGen allele CA381299256.
Genomic context (GRCh38, chr11:65,720,629, plus strand): 5'-TCCGGCCGCAGGGCTCACCCTCGGGGCCCTGGCGGATGGCGGGCGTGAAGAAGCGCCCCA[C>G]CGGGGCGGGCCCGTCCACCGCAACCTCGCAGGGCAGCAGATGCAGTGTGGCGGGTACGGC-3'
Protein context (NP_115569.2, residues 34-54): CEVAVDGPAP[Val44Leu]GRFFTPAIRQ

ClinVar aggregate classification (germline): Uncertain significance (1 of 4 stars; one submission).

Conditions:
Aicardi-Goutieres syndrome 3. Identifiers: Orphanet 51, MedGen C1835916, MONDO:0012471, OMIM 610329.

gnomAD v4.1: 2 of 1,555,166 alleles (0.00013%); highest among the groups gnomAD compares: Non-Finnish European, 0.00017%; no homozygotes.

Submission:

Labcorp Genetics (formerly Invitae), Labcorp
Classification: Uncertain significance for Aicardi-Goutieres syndrome 3. Last evaluated: 2022-06-13. Review status: criteria provided, single submitter. Criteria: Invitae Variant Classification Sherloc (09022015). Collection method: clinical testing. Allele origin: germline.
Comment: This sequence change replaces valine, which is neutral and non-polar, with leucine, which is neutral and non-polar, at codon 44 of the RNASEH2C protein (p.Val44Leu). This variant is present in population databases (no rsID available, gnomAD 0.009%). This variant has not been reported in the literature in individuals affected with RNASEH2C-related conditions. Algorithms developed to predict the effect of missense changes on protein structure and function are either unavailable or do not agree on the potential impact of this missense change (SIFT: "Deleterious"; PolyPhen-2: "Probably Damaging"; Align-GVGD: "Class C0"). In summary, the available evidence is currently insufficient to determine the role of this variant in disease. Therefore, it has been classified as a Variant of Uncertain Significance.